The following is an entry in ClinVar:

NM_000553.6(WRN):c.3853A>G (p.Met1285Val)

Gene: WRN (WRN RecQ like helicase; plus strand). Cytogenetic location: 8p12.
Variant type: single nucleotide variant.
Coding change: c.3853A>G on transcript NM_000553.6 (MANE Select); coding-DNA position 3853, A replaced by G.
Protein change: p.Met1285Val; replaces methionine 1285 with valine.
Molecular consequence: missense variant.
Genome position (GRCh38, 1-based): chr8:31,157,401, A>G. VCF-style: chr8-31157401-A-G. GRCh37 (hg19) VCF-style: chr8-31014917-A-G.
Other names: short protein forms M1285V.
Identifiers: ClinVar variation 4731111 (VCV004731111.1).

ClinVar aggregate classification (germline): Uncertain significance (1 of 4 stars; one submission).

Conditions:
Werner syndrome (WRN). Identifiers: Orphanet 902, MedGen C0043119, MONDO:0010196, OMIM 277700.

Submission:

Labcorp Genetics (formerly Invitae), Labcorp
Classification: Uncertain significance for Werner syndrome. Last evaluated: 2025-03-03. Review status: criteria provided, single submitter. Criteria: Invitae Variant Classification Sherloc (09022015). Collection method: clinical testing. Allele origin: germline.
Comment: This sequence change replaces methionine, which is neutral and non-polar, with valine, which is neutral and non-polar, at codon 1285 of the WRN protein (p.Met1285Val). This variant is not present in population databases (gnomAD no frequency). This variant has not been reported in the literature in individuals affected with WRN-related conditions. An algorithm developed to predict the effect of missense changes on protein structure and function (PolyPhen-2) suggests that this variant is likely to be tolerated. In summary, the available evidence is currently insufficient to determine the role of this variant in disease. Therefore, it has been classified as a Variant of Uncertain Significance.